The following continues an entry in ClinVar:

NM_000091.5(COL4A3):c.3499G>A (p.Gly1167Arg)

ClinVar aggregate classification (germline): Pathogenic/Likely pathogenic. Pathogenic (10); Likely pathogenic (2).

Submissions 9 to 15 of 15:

Fulgent Genetics
Classification: Pathogenic for Autosomal dominant Alport syndrome; Hematuria, benign familial, 2; Alport syndrome 3b, autosomal recessive. Last evaluated: 2024-02-07. Review status: criteria provided, single submitter. Criteria: ACMG Guidelines, 2015. Collection method: clinical testing. Allele origin: germline.

Department of Nephrology, Rheumatology and Immunology, Shanghai Children's Hospital
Classification: Likely pathogenic for Hematuria, benign familial, 1. Last evaluated: 2021-08-06. Review status: criteria provided, single submitter. Criteria: ACMG Guidelines, 2015. Collection method: clinical testing. Allele origin: paternal. Affected: yes. Observed: 1 variant allele.
Comment: The variant c.3499G>A (NM_000091.5, exon 40) leads to the amino acid change p.Gly1167Arg. Its maximum population allele frequency in the 1000 Genomes, ExAC and gnomAD databases is 0.000008125. SIFT, PROVEAN, PolyPhen-2 and other functional prediction tools all suggested a damaging effect. ClinVar records this variant as pathogenic, and it meets ACMG criteria for Likely Pathogenic with evidence PM1+PM2+PP3+PP4+PP5.

Clinical Genetics Service, Universitary Hospital 12 de Octubre
Classification: Pathogenic for Autosomal dominant Alport syndrome. Review status: criteria provided, single submitter. Criteria: ACMG Guidelines, 2015. Collection method: clinical testing. Allele origin: germline. Affected: yes.

Juno Genomics, Hangzhou Juno Genomics, Inc
Classification: Likely pathogenic for Autosomal dominant Alport syndrome; Alport syndrome 3b, autosomal recessive; Hematuria, benign familial, 2. Review status: criteria provided, single submitter. Criteria: ACMG Guidelines, 2015. Collection method: clinical testing. Allele origin: germline.
Comment: Absent from controls (or at extremely low frequency if recessive) in Genome Aggregation Database.;Multiple lines of computational evidence support a deleterious effect on the gene or gene product.;The prevalence of the variant in affected individuals is significantly increased compared to the prevalence in controls.;Patient's phenotype or family history is highly specific for a disease with a single genetic etiology.

Gharavi Laboratory, Columbia University
Classification: Likely pathogenic. Last evaluated: 2018-09-16. Review status: no assertion criteria provided. Criteria: ACMG Guidelines, 2015. Collection method: research. Allele origin: germline. Affected: yes. Not counted in ClinVar's aggregate classification.

Counsyl
Classification: Pathogenic for Autosomal recessive Alport syndrome. Last evaluated: 2018-03-19. Review status: no assertion criteria provided. Collection method: clinical testing. Allele origin: unknown. Not counted in ClinVar's aggregate classification.

OMIM
Classification: Pathogenic for ALPORT SYNDROME 3, AUTOSOMAL DOMINANT. Last evaluated: 2001-01-01. Review status: no assertion criteria provided. Collection method: literature only. Allele origin: germline. Not counted in ClinVar's aggregate classification.

Literature cited by the submitters: PubMed 11134255 (cited by 6 submitters); PubMed 14582039 (cited by 5 submitters); PubMed 27281700 (cited by 6 submitters); PubMed 28542346 (cited by 6 submitters); PubMed 36685964 (cited by 3billion); PubMed 34997062 (cited by 3billion); PubMed 38972501 (cited by Natera, Inc.); PubMed 32703181 (cited by 3 submitters); PubMed 30586318 (cited by Natera, Inc.); PubMed 12028435 (cited by Victorian Clinical Genetics Services, Murdoch Childrens Research Institute).